The following is an entry in ClinVar:

NM_020937.4(FANCM):c.172C>T (p.Leu58Phe)

Gene: FANCM (FA complementation group M; plus strand). Cytogenetic location: 14q21.2.
Variant type: single nucleotide variant.
Coding change: c.172C>T on transcript NM_020937.4 (MANE Select); coding-DNA position 172, C replaced by T.
Protein change: p.Leu58Phe; replaces leucine 58 with phenylalanine.
Molecular consequence: missense variant.
Genome position (GRCh38, 1-based): chr14:45,136,203, C>T. VCF-style: chr14-45136203-C-T. GRCh37 (hg19) VCF-style: chr14-45605406-C-T.
Other names: c.172C>T, p.Leu58Phe (NM_001308133.2, NM_001308134.2); short protein forms L58F.
Identifiers: ClinVar variation 456255 (VCV000456255.11), dbSNP rs1555358404, ClinGen allele CA389587262.

ClinVar aggregate classification (germline): Uncertain significance. Review status: criteria provided, multiple submitters, no conflicts (2 of 4 stars). 3 submissions from 3 submitters: Uncertain significance (3). Last evaluated 2024-12-08.

Conditions:
Fanconi anemia (FA). Also called: Fanconi's anemia. Identifiers: Orphanet 84, MedGen C0015625, MeSH D005199, MONDO:0019391.
Inborn genetic diseases. Identifiers: MedGen C0950123, MeSH D030342.

Submissions (3):

Ambry Genetics
Classification: Uncertain significance for Inborn genetic diseases. Last evaluated: 2024-12-08. Review status: criteria provided, single submitter. Criteria: Ambry Variant Classification Scheme 2023. Collection method: clinical testing. Allele origin: germline.
Comment: The p.L58F variant (also known as c.172C>T), located in coding exon 1 of the FANCM gene, results from a C to T substitution at nucleotide position 172. The leucine at codon 58 is replaced by phenylalanine, an amino acid with highly similar properties. This amino acid position is conserved. In addition, this alteration is predicted to be tolerated by in silico analysis. Based on the available evidence, the clinical significance of this variant remains unclear.

Labcorp Genetics (formerly Invitae), Labcorp
Classification: Uncertain significance for Fanconi anemia. Last evaluated: 2022-01-27. Review status: criteria provided, single submitter. Criteria: Invitae Variant Classification Sherloc (09022015). Collection method: clinical testing. Allele origin: germline.
Comment: This sequence change replaces leucine, which is neutral and non-polar, with phenylalanine, which is neutral and non-polar, at codon 58 of the FANCM protein (p.Leu58Phe). In summary, the available evidence is currently insufficient to determine the role of this variant in disease. Therefore, it has been classified as a Variant of Uncertain Significance. Algorithms developed to predict the effect of missense changes on protein structure and function are either unavailable or do not agree on the potential impact of this missense change (SIFT: "Tolerated"; PolyPhen-2: "Probably Damaging"; Align-GVGD: "Class C0"). ClinVar contains an entry for this variant (Variation ID: 456255). This variant has not been reported in the literature in individuals affected with FANCM-related conditions. This variant is not present in population databases (gnomAD no frequency).

GeneDx
Classification: Uncertain significance. Last evaluated: 2019-12-05. Review status: criteria provided, single submitter. Criteria: GeneDx Variant Classification Process June 2021. Collection method: clinical testing. Allele origin: germline. Affected: yes.
Comment: Not observed in large population cohorts (Lek 2016); In silico analysis, which includes protein predictors and evolutionary conservation, supports a deleterious effect; Has not been previously published as pathogenic or benign to our knowledge